The following is an entry in ClinVar:

ClinVar aggregate classification (germline): Likely benign. Review status: criteria provided, multiple submitters, no conflicts (2 of 4 stars). 2 submissions from 2 submitters: Likely benign (2). Last evaluated 2022-07-19.

Conditions:
Intellectual developmental disorder, autosomal dominant 1. Also called: MBD5 Haploinsufficiency; Intellectual disability, autosomal dominant 1. Identifiers: Orphanet 228402, MedGen C1969562, MONDO:0007974, OMIM 156200.

Allele frequency attached by ClinVar (database versions not stated): gnomAD 0.00001; gnomAD exomes below 0.00001; TOPMed below 0.00001.
gnomAD v4.1: 2 of 1,614,100 alleles (0.00012%); highest among the groups gnomAD compares: Non-Finnish European, 0.00017%; no homozygotes.

Submissions (2):

Labcorp Genetics (formerly Invitae), Labcorp
Classification: Likely benign for Intellectual developmental disorder, autosomal dominant 1. Last evaluated: 2022-07-19. Review status: criteria provided, single submitter. Criteria: Invitae Variant Classification Sherloc (09022015). Collection method: clinical testing. Allele origin: germline.

GeneDx
Classification: Likely benign. Last evaluated: 2017-11-06. Review status: criteria provided, single submitter. Criteria: GeneDx Variant Classification (06012015). Collection method: clinical testing. Allele origin: germline. Affected: yes.
Comment: This variant is considered likely benign or benign based on one or more of the following criteria: it is a conservative change, it occurs at a poorly conserved position in the protein, it is predicted to be benign by multiple in silico algorithms, and/or has population frequency not consistent with disease.

NM_001378120.1(MBD5):c.4626G>A (p.Lys1542=)

Gene: MBD5 (methyl-CpG binding domain protein 5; plus strand). Cytogenetic location: 2q23.1.
Variant type: single nucleotide variant.
Coding change: c.4626G>A on transcript NM_001378120.1 (MANE Select); coding-DNA position 4626, G replaced by A.
Protein change: p.Lys1542=; no amino-acid change (lysine 1542 retained).
Molecular consequence: synonymous variant.
Genome position (GRCh38, 1-based): chr2:148,490,258, G>A. VCF-style: chr2-148490258-G-A. GRCh37 (hg19) VCF-style: chr2-149247827-G-A.
Other names: c.3927G>A, p.Lys1309= (NM_018328.5).
Identifiers: ClinVar variation 513131 (VCV000513131.10), dbSNP rs1467670256, ClinGen allele CA429448136.
Genomic context (GRCh38, chr2:148,490,258, plus strand): 5'-CATAAATGGGAATAGACCTCGACAGAGTCGGGGATTTGGAGAGCTGCTAAGCACTGCAAA[G>A]CAAGACCTGGTCCTAGAGGAGCAGTCTCCAAGTTCCTCAAATAGTTTGGAAAATTCTCTG-3'
Protein context (NP_001365049.1, residues 1532-1552): RGFGELLSTA[Lys1542=]QDLVLEEQSP